The following is an entry in ClinVar:

NM_007118.4(TRIO):c.8042A>C (p.Tyr2681Ser)

Genes: TRIO (trio Rho guanine nucleotide exchange factor; plus strand), LOC126807323 (CDK7 strongly-dependent group 2 enhancer GRCh37_chr5:14497716-14498915; plus strand). Cytogenetic location: 5p15.2.
Variant type: single nucleotide variant.
Coding change: c.8042A>C on transcript NM_007118.4 (MANE Select); coding-DNA position 8042, A replaced by C.
Protein change: p.Tyr2681Ser; replaces tyrosine 2681 with serine.
Molecular consequence: missense variant. On other transcripts: non-coding transcript variant (1).
Genome position (GRCh38, 1-based): chr5:14,497,869, A>C. VCF-style: chr5-14497869-A-C. GRCh37 (hg19) VCF-style: chr5-14497978-A-C.
Other names: short protein forms Y2681S.
Identifiers: ClinVar variation 1216528 (VCV001216528.3), dbSNP rs764872076, ClinGen allele CA3207707.

ClinVar aggregate classification (germline): Uncertain significance (1 of 4 stars; one submission).

Allele frequency attached by ClinVar (database versions not stated): ExAC 0.00001; gnomAD exomes below 0.00001.
gnomAD v4.1: 1 of 1,614,234 alleles (0.000062%); highest among the groups gnomAD compares: Non-Finnish European, 0.000085%; no homozygotes.

Submission:

GeneDx
Classification: Uncertain significance. Last evaluated: 2021-08-09. Review status: criteria provided, single submitter. Criteria: GeneDx Variant Classification Process June 2021. Collection method: clinical testing. Allele origin: germline. Affected: yes.
Comment: Not observed in large population cohorts (Lek et al., 2016); In silico analysis, which includes protein predictors and evolutionary conservation, supports a deleterious effect; Has not been previously published as pathogenic or benign to our knowledge